The following is an entry in ClinVar:

NM_001365276.2(TNXB):c.9482C>G (p.Pro3161Arg)

Gene: TNXB (tenascin XB; minus strand). Cytogenetic location: 6p21.33.
Variant type: single nucleotide variant.
Coding change: c.9482C>G on transcript NM_001365276.2 (MANE Select); coding-DNA position 9482, C replaced by G.
Protein change: p.Pro3161Arg; replaces proline 3161 with arginine.
Molecular consequence: missense variant.
Genome position (GRCh38, 1-based): chr6:32,049,545, G>C on the plus strand (C>G on the coding strand, the complement: TNXB is on the minus strand). VCF-style: chr6-32049545-G-C. GRCh37 (hg19) VCF-style: chr6-32017322-G-C.
Other names: c.9476C>G, p.Pro3159Arg (NM_019105.8); short protein forms P3159R, P3161R.
Identifiers: ClinVar variation 1199938 (VCV001199938.3), dbSNP rs757265209, ClinGen allele CA3733508.

ClinVar aggregate classification (germline): Uncertain significance (1 of 4 stars; one submission).

Allele frequency attached by ClinVar (database versions not stated): gnomAD 0.00004 and 0.00006; ExAC 0.00010.
gnomAD v4.1: 81 of 1,612,490 alleles (0.005%); highest among the groups gnomAD compares: East Asian, 0.12%; 1 homozygote.

Submission:

GeneDx
Classification: Uncertain significance. Last evaluated: 2019-12-27. Review status: criteria provided, single submitter. Criteria: GeneDx Variant Classification Process June 2021. Collection method: clinical testing. Allele origin: germline. Affected: yes.
Comment: Has not been previously published as pathogenic or benign to our knowledge; In silico analysis, which includes protein predictors and evolutionary conservation, supports a deleterious effect